The following is an entry in ClinVar:

ClinVar aggregate classification (germline): Uncertain significance (1 of 4 stars; one submission).

Submission:

GeneDx
Classification: Uncertain significance. Last evaluated: 2019-05-28. Review status: criteria provided, single submitter. Criteria: GeneDx Variant Classification Process June 2021. Collection method: clinical testing. Allele origin: germline. Affected: yes.
Comment: Has not been previously published as pathogenic or benign to our knowledge; Not observed in large population cohorts (Lek et al., 2016); At the protein level, in silico analysis, which includes protein predictors and evolutionary conservation, supports a deleterious effect; At the mRNA level, in-silico analysis, which includes splice predictors and evolutionary conservation, is inconclusive as to whether the variant alters gene splicing. In the absence of RNA/functional studies, the actual effect of this sequence change is unknown.

NM_002317.7(LOX):c.880C>T (p.His294Tyr)

Genes: LOX (lysyl oxidase; minus strand), SRFBP1 (serum response factor binding protein 1; plus strand). Cytogenetic location: 5q23.1.
Variant type: single nucleotide variant.
Coding change: c.880C>T on transcript NM_002317.7 (MANE Select); coding-DNA position 880, C replaced by T.
Protein change: p.His294Tyr; replaces histidine 294 with tyrosine.
Molecular consequence: missense variant. On other transcripts: 5 prime UTR variant (1).
Genome position (GRCh38, 1-based): chr5:122,074,168, G>A on the plus strand (C>T on the coding strand, the complement: LOX is on the minus strand). VCF-style: chr5-122074168-G-A. GRCh37 (hg19) VCF-style: chr5-121409863-G-A.
Other names: c.190C>T, p.His64Tyr (NM_001178102.2); c.-12C>T (NM_001317073.1); short protein forms H294Y, H64Y.
Identifiers: ClinVar variation 1306153 (VCV001306153.2), dbSNP rs2152589596, ClinGen allele CA360881910.